The following is an entry in ClinVar:

NM_000352.6(ABCC8):c.4324G>A (p.Glu1442Lys)

Gene: ABCC8 (ATP binding cassette subfamily C member 8; minus strand). Cytogenetic location: 11p15.1.
Variant type: single nucleotide variant.
Coding change: c.4324G>A on transcript NM_000352.6 (MANE Select); coding-DNA position 4324, G replaced by A.
Protein change: p.Glu1442Lys; replaces glutamic acid 1442 with lysine.
Molecular consequence: missense variant. On other transcripts: non-coding transcript variant (1).
Genome position (GRCh38, 1-based): chr11:17,395,259, C>T on the plus strand (G>A on the coding strand, the complement: ABCC8 is on the minus strand). VCF-style: chr11-17395259-C-T. GRCh37 (hg19) VCF-style: chr11-17416806-C-T.
Other names: NM_001287174.3:c.4327G>A; c.4327G>A, p.Glu1443Lys (NM_001287174.3); c.4390G>A, p.Glu1464Lys (NM_001351295.2); c.4324G>A, p.Glu1442Lys (NM_001351296.2); c.4321G>A, p.Glu1441Lys (NM_001351297.2); short protein forms E1441K, E1442K, E1443K, E1464K.
Identifiers: ClinVar variation 2576218 (VCV002576218.2), dbSNP rs759663539, ClinGen allele CA379785883.

ClinVar aggregate classification (germline): Uncertain significance. Review status: criteria provided, multiple submitters, no conflicts (2 of 4 stars). 2 submissions from 2 submitters: Uncertain significance (2). Last evaluated 2024-05-20.

Conditions:
Hyperinsulinemic hypoglycemia, familial, 1 (HHF1). Also called: HYPERINSULINISM, FAMILIAL, WITH PANCREATIC NESIDIOBLASTOSIS; HYPOGLYCEMIA, HYPERINSULINEMIC, OF INFANCY; Persistent Hyperinsulinemia Hypoglycemia of Infancy; NESIDIOBLASTOSIS OF PANCREAS; Persistent hyperinsulinemic hypoglycemia of infancy. Identifiers: Orphanet 276575, Orphanet 276598, MedGen C2931832, MONDO:0009734, OMIM 256450.

Allele frequency attached by ClinVar (database versions not stated): gnomAD exomes 0.00001.
gnomAD v4.1: 4 of 1,593,948 alleles (0.00025%); highest among the groups gnomAD compares: South Asian, 0.0046%; no homozygotes.

Submissions (2):

Women's Health and Genetics/Laboratory Corporation of America, LabCorp
Classification: Uncertain significance. Last evaluated: 2024-05-20. Review status: criteria provided, single submitter. Criteria: LabCorp Variant Classification Summary - May 2015. Collection method: clinical testing. Allele origin: germline.
Comment: Variant summary: ABCC8 c.4324G>A (p.Glu1442Lys) results in a conservative amino acid change located in the ABC transporter-like, ATP-binding domain (IPR003439) of the encoded protein sequence. Three of five in-silico tools predict a damaging effect of the variant on protein function. The variant allele was found at a frequency of 9.3e-06 in 215940 control chromosomes (gnomAD). The available data on variant occurrences in the general population are insufficient to allow any conclusion about variant significance. c.4324G>A has been reported in the literature in at least one individual affected with congenital hyperinsulinism (example: Panigraphy_2021). These data do not allow any conclusion about variant significance. To our knowledge, no experimental evidence demonstrating an impact on protein function has been reported. The following publications have been ascertained in the context of this evaluation (PMID: 33046911, 34304300). ClinVar contains an entry for this variant (Variation ID: 2576218). Based on the evidence outlined above, the variant was classified as uncertain significance.

Broad Center for Mendelian Genomics, Broad Institute of MIT and Harvard
Classification: Uncertain significance for Hyperinsulinemic hypoglycemia, familial, 1. Last evaluated: 2023-08-16. Review status: criteria provided, single submitter. Criteria: ACMG Guidelines, 2015. Collection method: curation. Allele origin: germline. Inheritance: Autosomal recessive inheritance.
Comment: The p.Glu1442Lys variant in ABCC8 has been reported in 1 individual with hyperinsulinemic hypoglycemia (PMID: 34304300), and has been identified in 0.007% (2/26692) of South Asian chromosomes by the Genome Aggregation Database (gnomAD; dbSNP ID: rs759663539). Although this variant has been seen in the general population in a heterozygous state, its frequency is low enough to be consistent with a recessive carrier frequency. Computational prediction tools and conservation analyses suggest that this variant may impact the protein, though this information is not predictive enough to determine pathogenicity. In summary, the clinical significance of the p.Glu1442Lys variant is uncertain. ACMG/AMP Criteria applied: PP3, PM2_supporting (Richards 2015).

Literature cited by the submitters: PubMed 33046911 (cited by Women's Health and Genetics/Laboratory Corporation of America, LabCorp); PubMed 34304300 (cited by Women's Health and Genetics/Laboratory Corporation of America, LabCorp).